The following is an entry in ClinVar:

NM_000455.5(STK11):c.290+2_290+4del

Gene: STK11 (serine/threonine kinase 11; plus strand). Cytogenetic location: 19p13.3.
Variant type: Deletion.
Coding change: c.290+2_290+4del on transcript NM_000455.5 (MANE Select); the canonical splice donor site of the intron after coding-DNA position 290 through 4 bases into the intron after coding-DNA position 290, 3 bases deleted (TAA; older notation c.290+2_290+4delTAA).
Molecular consequence: splice donor variant.
Genome position (GRCh38, 1-based): chr19:1,207,205-1,207,207, TAA deleted. VCF-style (leftmost placement, unchanged base first): chr19-1207204-GTAA-G. GRCh37 (hg19) VCF-style: chr19-1207203-GTAA-G.
Other names: c.290+2_290+4delTAA (NM_000455.4).
Identifiers: ClinVar variation 568813 (VCV000568813.13), dbSNP rs1568690546, ClinGen allele CA891843675.
Genomic context (GRCh38, chr19:1,207,204, plus strand): 5'-CAAGATCCTCAAGAAGAAGAAGTTGCGAAGGATCCCCAACGGGGAGGCCAACGTGAAGAA[GTAA>G]GTATGGCTTGCTGGGGTCGGGGCCGGGCCGGGCCAGTCACGGTGCTGATGGTTCTGTCTT-3'

ClinVar aggregate classification (germline): Likely pathogenic. Review status: criteria provided, multiple submitters, no conflicts (2 of 4 stars). 3 submissions from 3 submitters: Likely pathogenic (3). Last evaluated 2024-02-09.

Conditions:
Hereditary cancer-predisposing syndrome. Also called: Hereditary neoplastic syndrome; Neoplastic Syndromes, Hereditary; Hereditary Cancer Syndrome; Tumor predisposition. Identifiers: Orphanet 140162, MedGen C0027672, MeSH D009386, MONDO:0015356.
Peutz-Jeghers syndrome (PJS). Also called: Peutz-Jeghers polyposis; Periorificial lentiginosis syndrome; POLYPOSIS, HAMARTOMATOUS INTESTINAL; POLYPS-AND-SPOTS SYNDROME. Identifiers: Orphanet 2869, MedGen C0031269, MeSH D010580, MONDO:0008280, OMIM 175200.

Submissions (3):

Myriad Genetics, Inc.
Classification: Likely pathogenic for Peutz-Jeghers syndrome. Last evaluated: 2024-02-09. Review status: criteria provided, single submitter. Criteria: Myriad Autosomal Dominant, Autosomal Recessive and X-Linked Classification Criteria (2023). Collection method: clinical testing. Allele origin: unknown.
Comment: This variant is considered likely pathogenic. This variant occurs within a consensus splice junction and is predicted to result in abnormal mRNA splicing of either an out-of-frame exon or an in-frame exon necessary for protein stability and/or normal function.

Labcorp Genetics (formerly Invitae), Labcorp
Classification: Likely pathogenic for Peutz-Jeghers syndrome. Last evaluated: 2022-05-09. Review status: criteria provided, single submitter. Criteria: Invitae Variant Classification Sherloc (09022015). Collection method: clinical testing. Allele origin: germline.
Comment: In summary, the currently available evidence indicates that the variant is pathogenic, but additional data are needed to prove that conclusively. Therefore, this variant has been classified as Likely Pathogenic. Variants that disrupt the consensus splice site are a relatively common cause of aberrant splicing (PMID: 17576681, 9536098). Algorithms developed to predict the effect of sequence changes on RNA splicing suggest that this variant may disrupt the consensus splice site. ClinVar contains an entry for this variant (Variation ID: 568813). This variant has not been reported in the literature in individuals affected with STK11-related conditions. This variant is not present in population databases (gnomAD no frequency). This sequence change affects a splice site in intron 1 of the STK11 gene. It is expected to disrupt RNA splicing. Variants that disrupt the donor or acceptor splice site typically lead to a loss of protein function (PMID: 16199547), and loss-of-function variants in STK11 are known to be pathogenic (PMID: 15188174, 16287113).

Ambry Genetics
Classification: Likely pathogenic for Hereditary cancer-predisposing syndrome. Last evaluated: 2020-05-20. Review status: criteria provided, single submitter. Criteria: Ambry Variant Classification Scheme 2023. Collection method: clinical testing. Allele origin: germline.
Comment: The c.290+2_290+4delTAA intronic variant, located in intron 1 of the STK11 gene, results from a deletion of 3 nucleotides within intron 1 of the STK11 gene. This nucleotide position is generally well conserved in available vertebrate species. Using the BDGP and ESEfinder splice site prediction tools, this alteration is predicted to abolish the native splice donor site. RNA studies have demonstrated that this alteration results in abnormal splicing in the set of samples tested (Ambry internal data). Alterations that disrupt the canonical splice site are expected to cause aberrant splicing, resulting in an abnormal protein or a transcript that is subject to nonsense-mediated mRNA decay. As such, this alteration is classified as likely pathogenic.

Literature cited by the submitters: PubMed 17576681 (cited by Labcorp Genetics (formerly Invitae), Labcorp); PubMed 9536098 (cited by Labcorp Genetics (formerly Invitae), Labcorp); PubMed 16199547 (cited by Labcorp Genetics (formerly Invitae), Labcorp); PubMed 15188174 (cited by Labcorp Genetics (formerly Invitae), Labcorp); PubMed 16287113 (cited by Labcorp Genetics (formerly Invitae), Labcorp).